The following is an entry in ClinVar:

NM_000142.5(FGFR3):c.1733_1735del (p.Ser578del)

Gene: FGFR3 (fibroblast growth factor receptor 3; plus strand). Cytogenetic location: 4p16.3.
Variant type: Deletion.
Coding change: c.1733_1735del on transcript NM_000142.5 (MANE Select); coding-DNA positions 1733 to 1735, 3 bases deleted (CCT; older notation c.1733_1735delCCT).
Protein change: p.Ser578del; deletes serine 578.
Molecular consequence: inframe deletion. On other transcripts: inframe indel (1), non-coding transcript variant (1).
Genome position (GRCh38, 1-based): chr4:1,805,837-1,805,839, CCT deleted; deleting any 3 consecutive bases within chr4:1,805,835-1,805,839 gives the same sequence; the c. name uses the placement nearest the transcript's 3' end. VCF-style (leftmost placement, unchanged base first): chr4-1805834-ACTC-A. GRCh37 (hg19) VCF-style: chr4-1807561-ACTC-A.
Other names: c.1733_1735delCCT, p.Ser578del (NM_000142.4); c.1739_1741del, p.Ser580del (NM_001163213.2); c.1736_1738del, p.Ser579del (NM_001354809.2, NM_001354810.2); c.1397_1399del, p.Ser466del (NM_022965.4); short protein forms S466del, S578del, S579del, S580del.
Identifiers: ClinVar variation 3253435 (VCV003253435.1), dbSNP rs1247362322.

ClinVar aggregate classification (germline): Uncertain significance (1 of 4 stars; one submission).

Submission:

GeneDx
Classification: Uncertain significance. Last evaluated: 2023-04-12. Review status: criteria provided, single submitter. Criteria: GeneDx Variant Classification Process June 2021. Collection method: clinical testing. Allele origin: germline. Affected: yes.
Comment: In-frame deletion of 1 amino acid in a non-repeat region; Not observed at significant frequency in large population cohorts (gnomAD); In silico analysis supports a deleterious effect on protein structure/function; Has not been previously published as pathogenic or benign to our knowledge